The following is an entry in ClinVar:

NM_012434.5(SLC17A5):c.1A>G (p.Met1Val)

Genes: SLC17A5 (solute carrier family 17 member 5; minus strand), LOC129996727 (ATAC-STARR-seq lymphoblastoid silent region 17338; plus strand). Cytogenetic location: 6q13.
Variant type: single nucleotide variant.
Coding change: c.1A>G on transcript NM_012434.5 (MANE Select); coding-DNA position 1, A replaced by G.
Protein change: p.Met1Val; changes the start codon (methionine 1).
Molecular consequence: missense variant, initiator codon variant. On other transcripts: 5 prime UTR variant (2).
Genome position (GRCh38, 1-based): chr6:73,653,886, T>C on the plus strand (A>G on the coding strand, the complement: SLC17A5 is on the minus strand). VCF-style: chr6-73653886-T-C. GRCh37 (hg19) VCF-style: chr6-74363609-T-C.
Other names: c.-34A>G (NM_001382629.1, NM_001382636.1); c.1A>G, p.Met1Val (NM_001382630.1, NM_001382631.1, NM_001382632.1 and 3 more transcripts); short protein forms M1V.
Identifiers: ClinVar variation 1067475 (VCV001067475.9), dbSNP rs1304456183, ClinGen allele CA364720311.
Genomic context (GRCh38, chr6:73,653,886, plus strand): 5'-GCGTGCGGTCCGTGCTCTCCTCGCCATCGTTCCGGGCCAGGTCTCGAACCGGAGACCTCA[T>C]GACGCCTACGTGAGCAGGTGTACTCGCCACCTGGCAGAGAAGGGAGCGCCGGCCCGACAG-3'
Protein context (NP_036566.1, residues 1-11): [Met1Val]RSPVRDLARN

ClinVar aggregate classification (germline): Likely pathogenic (1 of 4 stars; one submission).

Conditions:
Salla disease (SD). Also called: Less Severe FSASD (Salla Disease); Sialuria, Finnish type; N-acetylneuraminic acid (NANA) storage disease (NSD); Infantile sialic acid storage disorder (ISSD). Identifiers: Orphanet 309334, Orphanet 834, MedGen C1096903, MONDO:0011449, OMIM 604369.

Submission:

Labcorp Genetics (formerly Invitae), Labcorp
Classification: Likely pathogenic for Salla disease. Last evaluated: 2020-06-16. Review status: criteria provided, single submitter. Criteria: Invitae Variant Classification Sherloc (09022015). Collection method: clinical testing. Allele origin: germline.
Comment: This variant disrupts the initiator methionine in SLC17A5. If translation initiates from the next-in-frame methionine, the SLC17A5 protein would no longer include the region containing p.Arg39 amino acid residue. Other variant(s) that disrupt this residue have been observed in individuals with SLC17A5-related conditions (PMID: 10581036, 10947946, 12794688). This suggests that this residue is clinically significant, and that variants that disrupt this residue are likely to be disease-causing. In summary, the currently available evidence indicates that the variant is pathogenic, but additional data are needed to prove that conclusively. Therefore, this variant has been classified as Likely Pathogenic. This variant has not been reported in the literature in individuals with SLC17A5-related conditions. This variant is not present in population databases (ExAC no frequency). This sequence change affects the initiator methionine of the SLC17A5 mRNA. The next in-frame methionine is located at codon 67.

Literature cited by the submitters: PubMed 10581036; PubMed 10947946; PubMed 12794688.